The following is an entry in ClinVar:

ClinVar aggregate classification (germline): Uncertain significance. Review status: criteria provided, multiple submitters, no conflicts (2 of 4 stars). 3 submissions from 3 submitters: Uncertain significance (3). Last evaluated 2025-08-18.

Conditions:
Hyperaldosteronism, familial, type IV (HALD4). Also called: FH IV; ALDOSTERONISM, PRIMARY, AND HYPERTENSION. Identifiers: Orphanet 642671, MedGen C4310756, MONDO:0014875, OMIM 617027.
Epilepsy, childhood absence, susceptibility to, 6. Identifiers: Orphanet 64280, MedGen C2749872, MONDO:0012763, OMIM 611942.
Idiopathic generalized epilepsy. Also called: EIG; Generalised epilepsy. Identifiers: MedGen C0270850, MONDO:0005579, OMIM 600669.

Allele frequency attached by ClinVar (database versions not stated): gnomAD 0.00001; gnomAD exomes 0.00001; TOPMed 0.00002.
gnomAD v4.1: 4 of 1,555,788 alleles (0.00026%); highest among the groups gnomAD compares: Admixed American, 0.0056%; no homozygotes.

Submissions (3):

Labcorp Genetics (formerly Invitae), Labcorp
Classification: Uncertain significance for Idiopathic generalized epilepsy; Hyperaldosteronism, familial, type IV. Last evaluated: 2025-08-18. Review status: criteria provided, single submitter. Criteria: Invitae Variant Classification Sherloc (09022015). Collection method: clinical testing. Allele origin: germline.
Comment: This sequence change replaces isoleucine, which is neutral and non-polar, with valine, which is neutral and non-polar, at codon 799 of the CACNA1H protein (p.Ile799Val). The frequency data for this variant in the population databases is considered unreliable, as metrics indicate poor data quality at this position in the gnomAD database. This variant has not been reported in the literature in individuals affected with CACNA1H-related conditions. ClinVar contains an entry for this variant (Variation ID: 446948). Invitae Evidence Modeling of protein sequence and biophysical properties (such as structural, functional, and spatial information, amino acid conservation, physicochemical variation, residue mobility, and thermodynamic stability) indicates that this missense variant is expected to disrupt CACNA1H protein function with a positive predictive value of 80%. Experimental studies have shown that this missense change does not substantially affect CACNA1H function (PMID: 36397158). In summary, the available evidence is currently insufficient to determine the role of this variant in disease. Therefore, it has been classified as a Variant of Uncertain Significance.

Fulgent Genetics
Classification: Uncertain significance for Epilepsy, childhood absence, susceptibility to, 6; Hyperaldosteronism, familial, type IV. Last evaluated: 2022-05-17. Review status: criteria provided, single submitter. Criteria: ACMG Guidelines, 2015. Collection method: clinical testing. Allele origin: unknown.

Athena Diagnostics
Classification: Uncertain significance. Last evaluated: 2017-06-23. Review status: criteria provided, single submitter. Criteria: Athena Diagnostics Criteria. Collection method: clinical testing. Allele origin: germline.

Literature cited by the submitters: PubMed 36397158 (cited by Labcorp Genetics (formerly Invitae), Labcorp).

NM_021098.3(CACNA1H):c.2395A>G (p.Ile799Val)

Gene: CACNA1H (calcium voltage-gated channel subunit alpha1 H; plus strand). Cytogenetic location: 16p13.3.
Variant type: single nucleotide variant.
Coding change: c.2395A>G on transcript NM_021098.3 (MANE Select); coding-DNA position 2395, A replaced by G.
Protein change: p.Ile799Val; replaces isoleucine 799 with valine.
Molecular consequence: missense variant.
Genome position (GRCh38, 1-based): chr16:1,204,402, A>G. VCF-style: chr16-1204402-A-G. GRCh37 (hg19) VCF-style: chr16-1254402-A-G.
Other names: c.2395A>G, p.Ile799Val (NM_001005407.2); short protein forms I799V.
Identifiers: ClinVar variation 446948 (VCV000446948.3), dbSNP rs1216897674, ClinGen allele CA394166482.